The following is an entry in ClinVar:

NM_003803.4(MYOM1):c.771+6A>G

Gene: MYOM1 (myomesin 1; minus strand). Cytogenetic location: 18p11.31.
Variant type: single nucleotide variant.
Coding change: c.771+6A>G on transcript NM_003803.4 (MANE Select); 6 bases into the intron after coding-DNA position 771, A replaced by G.
Molecular consequence: intron variant.
Genome position (GRCh38, 1-based): chr18:3,188,742, T>C on the plus strand (A>G on the coding strand, the complement: MYOM1 is on the minus strand). VCF-style: chr18-3188742-T-C. GRCh37 (hg19) VCF-style: chr18-3188740-T-C.
Other names: c.771+6A>G (NM_019856.2).
Identifiers: ClinVar variation 2197922 (VCV002197922.4), dbSNP rs377485518, ClinGen allele CA8875169.

ClinVar aggregate classification (germline): Uncertain significance (1 of 4 stars; one submission).

Conditions:
Hypertrophic cardiomyopathy. Also called: HYPERTROPHIC MYOCARDIOPATHY. Identifiers: Orphanet 217569, MedGen C0007194, MeSH D002312, MONDO:0005045, HP:0001639.

Allele frequency attached by ClinVar (database versions not stated): TOPMed 0.00001; gnomAD 0.00002; gnomAD exomes 0.00002; ExAC 0.00007; ESP Exome Variant Server 0.00008.
gnomAD v4.1: 34 of 1,557,868 alleles (0.0022%); highest among the groups gnomAD compares: Non-Finnish European, 0.0026%; no homozygotes.

Submission:

Labcorp Genetics (formerly Invitae), Labcorp
Classification: Uncertain significance for Hypertrophic cardiomyopathy. Last evaluated: 2025-08-17. Review status: criteria provided, single submitter. Criteria: Invitae Variant Classification Sherloc (09022015). Collection method: clinical testing. Allele origin: germline.
Comment: This sequence change falls in intron 4 of the MYOM1 gene. It does not directly change the encoded amino acid sequence of the MYOM1 protein. It affects a nucleotide within the consensus splice site. This variant is present in population databases (rs377485518, gnomAD 0.003%). This variant has not been reported in the literature in individuals affected with MYOM1-related conditions. ClinVar contains an entry for this variant (Variation ID: 2197922). Variants that disrupt the consensus splice site are a relatively common cause of aberrant splicing (PMID: 17576681, 9536098). Algorithms developed to predict the effect of sequence changes on RNA splicing suggest that this variant is not likely to affect RNA splicing. In summary, the available evidence is currently insufficient to determine the role of this variant in disease. Therefore, it has been classified as a Variant of Uncertain Significance.

Literature cited by the submitters: PubMed 17576681; PubMed 9536098.